The following is an entry in ClinVar:

NM_000138.5(FBN1):c.3464-16_3464-14del

Gene: FBN1 (fibrillin 1; minus strand). Cytogenetic location: 15q21.1.
Variant type: Microsatellite.
Coding change: c.3464-16_3464-14del on transcript NM_000138.5 (MANE Select); 16 bases into the intron before coding-DNA position 3464 through 14 bases into the intron before coding-DNA position 3464, 3 bases deleted (CTT; older notation c.3464-16_3464-14delCTT).
Molecular consequence: intron variant.
Genome position (GRCh38, 1-based): chr15:48,487,214-48,487,216, AAG deleted on the plus strand (CTT on the coding strand, the reverse complement: FBN1 is on the minus strand); deleting any 3 consecutive bases within chr15:48,487,214-48,487,221 gives the same sequence; the c. name uses the placement nearest the transcript's 3' end. VCF-style (leftmost placement, unchanged base first): chr15-48487213-TAAG-T. GRCh37 (hg19) VCF-style: chr15-48779410-TAAG-T.
Other names: c.3464-16_3464-14delCTT (NM_000138.4).
Identifiers: ClinVar variation 549166 (VCV000549166.12), dbSNP rs775944757, ClinGen allele CA050764.

ClinVar aggregate classification (germline): Benign/Likely benign. Review status: criteria provided, multiple submitters, no conflicts (2 of 4 stars). 6 submissions from 6 submitters: Benign (1); Likely benign (4). 1 of the submissions does not count toward it. Last evaluated 2026-01-27.

Conditions:
Marfan syndrome (MFS). Also called: Marfan syndrome type 1; Marfan syndrome, classic; Marfan's syndrome; FBN1-Related Marfan Syndrome; MARFAN SYNDROME, TYPE I. Identifiers: Orphanet 284963, Orphanet 558, MedGen C0024796, MONDO:0007947, OMIM 154700.
Familial thoracic aortic aneurysm and aortic dissection (TAAD). Also called: Thoracic aortic aneurysms and dissections. Identifiers: Orphanet 91387, MedGen C4707243, MONDO:0019625.

Submissions (6):

Labcorp Genetics (formerly Invitae), Labcorp
Classification: Likely benign for Marfan syndrome; Familial thoracic aortic aneurysm and aortic dissection. Last evaluated: 2026-01-27. Review status: criteria provided, single submitter. Criteria: Invitae Variant Classification Sherloc (09022015). Collection method: clinical testing. Allele origin: germline.

Blueprint Genetics
Classification: Likely benign. Last evaluated: 2024-11-04. Review status: criteria provided, single submitter. Criteria: ACMG Guidelines, 2015. Collection method: clinical testing. Allele origin: germline.

Women's Health and Genetics/Laboratory Corporation of America, LabCorp
Classification: Benign. Last evaluated: 2021-04-05. Review status: criteria provided, single submitter. Criteria: LabCorp Variant Classification Summary - May 2015. Collection method: clinical testing. Allele origin: germline.
Comment: Variant summary: FBN1 c.3464-16_3464-14delCTT alters non-conserved nucleotides located close to a canonical splice site and therefore could affect mRNA splicing, leading to a significantly altered protein sequence. 4/4 computational tools predict no significant impact on normal splicing. However, these predictions have yet to be confirmed by functional studies. The variant allele was found at a frequency of 0.00011 in 251416 control chromosomes, predominantly at a frequency of 0.00059 within the South Asian subpopulation in the gnomAD database. The observed variant frequency within South Asian control individuals in the gnomAD database is approximately 5.2 fold of the estimated maximal expected allele frequency for a pathogenic variant in FBN1 causing Marfan Syndrome phenotype (0.00011), strongly suggesting that the variant is a benign polymorphism found primarily in populations of South Asian origin. To our knowledge, no occurrence of c.3464-16_3464-14delCTT in individuals affected with Marfan Syndrome and no experimental evidence demonstrating its impact on protein function have been reported. Three clinical diagnostic laboratories have submitted clinical-significance assessments for this variant to ClinVar after 2014 without evidence for independent evaluation. Based on the evidence outlined above, the variant was classified as benign.

Color Diagnostics, LLC DBA Color Health
Classification: Likely benign for Familial thoracic aortic aneurysm and aortic dissection. Last evaluated: 2018-11-09. Review status: criteria provided, single submitter. Criteria: ACMG Guidelines, 2015. Collection method: clinical testing. Allele origin: germline.

Center for Human Genetics, Inc
Classification: Likely benign for Marfan syndrome. Last evaluated: 2018-06-01. Review status: criteria provided, single submitter. Criteria: ACMG Guidelines, 2015. Collection method: clinical testing. Allele origin: germline. Affected: yes.

Center for Medical Genetics Ghent, University of Ghent
Classification: Uncertain significance for Marfan syndrome. Last evaluated: 2017-11-07. Review status: no assertion criteria provided. Collection method: clinical testing. Allele origin: germline. Affected: yes. Not counted in ClinVar's aggregate classification.